The following is an entry in ClinVar:

ClinVar aggregate classification (germline): Likely benign (1 of 4 stars; one submission).

gnomAD v4.1: 3 of 1,613,468 alleles (0.00019%); highest among the groups gnomAD compares: Non-Finnish European, 0.00025%; no homozygotes.

Submission:

Mayo Clinic Laboratories, Mayo Clinic
Classification: Likely benign. Last evaluated: 2024-12-31. Review status: criteria provided, single submitter. Criteria: ACMG Guidelines, 2015. Collection method: clinical testing. Allele origin: germline. Observed: 1 variant allele.
Comment: BP4, BP7

NM_198241.3(EIF4G1):c.2472+10C>T

Gene: EIF4G1 (eukaryotic translation initiation factor 4 gamma 1; plus strand). Cytogenetic location: 3q27.1.
Variant type: single nucleotide variant.
Coding change: c.2472+10C>T on transcript NM_198241.3 (MANE Select); 10 bases into the intron after coding-DNA position 2472, C replaced by T.
Molecular consequence: intron variant.
Genome position (GRCh38, 1-based): chr3:184,323,987, C>T. VCF-style: chr3-184323987-C-T. GRCh37 (hg19) VCF-style: chr3-184041775-C-T.
Other names: p.?; c.2352+10C>T (NM_001291157.2); c.2493+10C>T (NM_001194946.2, NM_001194947.2); c.2211+10C>T (NM_198244.3); c.1980+10C>T (NM_198242.3); c.2475+10C>T (NM_182917.4); c.1887+10C>T (NM_004953.5).
Identifiers: ClinVar variation 4684748 (VCV004684748.1).